The following is an entry in ClinVar:

ClinVar aggregate classification (germline): Uncertain significance (1 of 4 stars; one submission).

Allele frequency attached by ClinVar (database versions not stated): gnomAD exomes below 0.00001.
gnomAD v4.1: 9 of 1,613,852 alleles (0.00056%); highest among the groups gnomAD compares: African/African-American, 0.0093%; no homozygotes.

Submission:

Labcorp Genetics (formerly Invitae), Labcorp
Classification: Uncertain significance. Last evaluated: 2023-10-16. Review status: criteria provided, single submitter. Criteria: Invitae Variant Classification Sherloc (09022015). Collection method: clinical testing. Allele origin: germline.
Comment: This sequence change replaces glutamic acid, which is acidic and polar, with glutamine, which is neutral and polar, at codon 94 of the RP1L1 protein (p.Glu94Gln). This variant is not present in population databases (gnomAD no frequency). This missense change has been observed in individual(s) with clinical features of RP1L1-related conditions (PMID: 29785639). ClinVar contains an entry for this variant (Variation ID: 1496569). Advanced modeling of protein sequence and biophysical properties (such as structural, functional, and spatial information, amino acid conservation, physicochemical variation, residue mobility, and thermodynamic stability) performed at Invitae indicates that this missense variant is not expected to disrupt RP1L1 protein function. In summary, the available evidence is currently insufficient to determine the role of this variant in disease. Therefore, it has been classified as a Variant of Uncertain Significance.

Literature cited by the submitters: PubMed 29785639.

NM_178857.6(RP1L1):c.280G>C (p.Glu94Gln)

Gene: RP1L1 (RP1 like 1). Cytogenetic location: 8p23.1.
Variant type: single nucleotide variant.
Coding change: c.280G>C on transcript NM_178857.6 (MANE Select); coding-DNA position 280, G replaced by C.
Protein change: p.Glu94Gln; replaces glutamic acid 94 with glutamine.
Molecular consequence: missense variant.
Genome position (GRCh38, 1-based): chr8:10,622,922, C>G on the plus strand (G>C on the coding strand, the complement: RP1L1 is on the minus strand). VCF-style: chr8-10622922-C-G. GRCh37 (hg19) VCF-style: chr8-10480432-C-G.
Other names: short protein forms E94Q.
Identifiers: ClinVar variation 1496569 (VCV001496569.8), dbSNP rs942687332, ClinGen allele CA171954839.